The following is an entry in ClinVar:

NM_024334.3(TMEM43):c.1067C>T (p.Ala356Val)

Gene: TMEM43 (transmembrane protein 43; plus strand). Cytogenetic location: 3p25.1.
Variant type: single nucleotide variant.
Coding change: c.1067C>T on transcript NM_024334.3 (MANE Select); coding-DNA position 1067, C replaced by T.
Protein change: p.Ala356Val; replaces alanine 356 with valine.
Molecular consequence: missense variant.
Genome position (GRCh38, 1-based): chr3:14,141,659, C>T. VCF-style: chr3-14141659-C-T. GRCh37 (hg19) VCF-style: chr3-14183159-C-T.
Other names: short protein forms A356V.
Identifiers: ClinVar variation 920053 (VCV000920053.15), dbSNP rs1465084342, ClinGen allele CA351536478.

ClinVar aggregate classification (germline): Uncertain significance. Review status: criteria provided, multiple submitters, no conflicts (2 of 4 stars). 3 submissions from 3 submitters: Uncertain significance (3). Last evaluated 2025-12-17.

Conditions:
Cardiomyopathy (CMYO). Also called: Cardiomyopathies. Identifiers: Orphanet 167848, MedGen C0878544, MONDO:0004994, HP:0001638. Inheritance: Various modes of inheritance.
Arrhythmogenic right ventricular dysplasia 5. Also called: Arrhythmogenic Right Ventricular Dysplasia/Cardiomyopathy 5; ARRHYTHMOGENIC RIGHT VENTRICULAR DYSPLASIA, FAMILIAL, 5. Identifiers: MedGen C1858379, MONDO:0011459, OMIM 604400.

Allele frequency attached by ClinVar (database versions not stated): gnomAD 0.00001.
gnomAD v4.1: 1 of 1,614,110 alleles (0.000062%); highest among the groups gnomAD compares: African/African-American, 0.0013%; no homozygotes.

Submissions (3):

Labcorp Genetics (formerly Invitae), Labcorp
Classification: Uncertain significance for Arrhythmogenic right ventricular dysplasia 5. Last evaluated: 2025-12-17. Review status: criteria provided, single submitter. Criteria: Invitae Variant Classification Sherloc (09022015). Collection method: clinical testing. Allele origin: germline.
Comment: This sequence change replaces alanine, which is neutral and non-polar, with valine, which is neutral and non-polar, at codon 356 of the TMEM43 protein (p.Ala356Val). This variant is not present in population databases (gnomAD no frequency). This variant has not been reported in the literature in individuals affected with TMEM43-related conditions. ClinVar contains an entry for this variant (Variation ID: 920053). Invitae Evidence Modeling of protein sequence and biophysical properties (such as structural, functional, and spatial information, amino acid conservation, physicochemical variation, residue mobility, and thermodynamic stability) indicates that this missense variant is expected to disrupt TMEM43 protein function with a positive predictive value of 80%. In summary, the available evidence is currently insufficient to determine the role of this variant in disease. Therefore, it has been classified as a Variant of Uncertain Significance.

GeneDx
Classification: Uncertain significance. Last evaluated: 2025-03-12. Review status: criteria provided, single submitter. Criteria: GeneDx Variant Classification Process June 2021. Collection method: clinical testing. Allele origin: germline. Affected: yes.
Comment: Not observed at significant frequency in large population cohorts (gnomAD); In silico analysis supports that this missense variant has a deleterious effect on protein structure/function; Has not been previously published as pathogenic or benign to our knowledge

Color Diagnostics, LLC DBA Color Health
Classification: Uncertain significance for Cardiomyopathy. Last evaluated: 2023-12-05. Review status: criteria provided, single submitter. Criteria: ACMG Guidelines, 2015. Collection method: clinical testing. Allele origin: germline.
Comment: This missense variant replaces alanine with valine at codon 356 of the TMEM43 protein. Computational prediction tools and conservation analyses suggest that this variant may have deleterious impact on protein function. Computational splicing tools suggest that this variant may not impact RNA splicing. To our knowledge, functional assays have not been performed for this variant nor has this variant been reported in individuals affected with cardiovascular disorders in the literature. This variant has not been identified in the general population by the Genome Aggregation Database (gnomAD). Available evidence is insufficient to determine the role of this variant in disease conclusively. Therefore, this variant is classified as a Variant of Uncertain Significance.